The following is an entry in ClinVar:

NM_001374828.1(ARID1B):c.4713G>T (p.Met1571Ile)

Gene: ARID1B (AT-rich interaction domain 1B; plus strand). Cytogenetic location: 6q25.3.
Variant type: single nucleotide variant.
Coding change: c.4713G>T on transcript NM_001374828.1 (MANE Select); coding-DNA position 4713, G replaced by T.
Protein change: p.Met1571Ile; replaces methionine 1571 with isoleucine.
Molecular consequence: missense variant.
Genome position (GRCh38, 1-based): chr6:157,200,938, G>T. VCF-style: chr6-157200938-G-T. GRCh37 (hg19) VCF-style: chr6-157522072-G-T.
Other names: c.4554G>T, p.Met1518Ile (NM_017519.3); c.4344G>T, p.Met1448Ile (NM_020732.3); c.4131G>T, p.Met1377Ile (NM_175863.2); c.4464G>T, p.Met1488Ile (NM_001346813.1); c.2214G>T, p.Met738Ile (NM_001363725.2); c.4593G>T, p.Met1531Ile (NM_001371656.1, NM_001374820.1); short protein forms M1448I, M1571I, M1377I, M1488I, M1531I, M1518I, M738I.
Identifiers: ClinVar variation 2349287 (VCV002349287.5), dbSNP rs2128373475, ClinGen allele CA366241271.
Genomic context (GRCh38, chr6:157,200,938, plus strand): 5'-CAGGGAGAGGATGCAGGGCCCGGGGCAGATCCAGACACACGGAATCCCGCCTCAGATGAT[G>T]GGCGGCCCGCTGCAGTCGTCCTCCAGTGAGGGGCCTCAGCAGAATATGTGGGCAGCACGC-3'
Protein context (NP_001361757.1, residues 1561-1581): IQTHGIPPQM[Met1571Ile]GGPLQSSSSE

ClinVar aggregate classification (germline): Conflicting classifications of pathogenicity. Review status: criteria provided, conflicting classifications (1 of 4 stars). 3 submissions from 3 submitters: Uncertain significance (2); Likely benign (1). Last evaluated 2026-04-08.

Conditions:
ARID1B-Related Disorder. Identifiers: MedGen CN381337.
Inborn genetic diseases. Identifiers: MedGen C0950123, MeSH D030342.

Allele frequency attached by ClinVar (database versions not stated): gnomAD 0.00001.

Submissions (3):

Ambry Genetics
Classification: Likely benign for Inborn genetic diseases. Last evaluated: 2026-04-08. Review status: criteria provided, single submitter. Criteria: Ambry Variant Classification Scheme 2023. Collection method: clinical testing. Allele origin: germline.

Labcorp Genetics (formerly Invitae), Labcorp
Classification: Uncertain significance. Last evaluated: 2025-03-11. Review status: criteria provided, single submitter. Criteria: Invitae Variant Classification Sherloc (09022015). Collection method: clinical testing. Allele origin: germline.
Comment: This sequence change replaces methionine, which is neutral and non-polar, with isoleucine, which is neutral and non-polar, at codon 1448 of the ARID1B protein (p.Met1448Ile). This variant is not present in population databases (gnomAD no frequency). This variant has not been reported in the literature in individuals affected with ARID1B-related conditions. ClinVar contains an entry for this variant (Variation ID: 2349287). Invitae Evidence Modeling of protein sequence and biophysical properties (such as structural, functional, and spatial information, amino acid conservation, physicochemical variation, residue mobility, and thermodynamic stability) indicates that this missense variant is not expected to disrupt ARID1B protein function with a negative predictive value of 95%. In summary, the available evidence is currently insufficient to determine the role of this variant in disease. Therefore, it has been classified as a Variant of Uncertain Significance.

PreventionGenetics, part of Exact Sciences
Classification: Uncertain significance for ARID1B-related condition. Last evaluated: 2024-11-27. Review status: criteria provided, single submitter. Criteria: ACMG Guidelines, 2015. Collection method: clinical testing. Allele origin: germline.
Comment: The ARID1B c.4344G>T variant is predicted to result in the amino acid substitution p.Met1448Ile. To our knowledge, this variant has not been reported in the literature or in a large population database (gnomAD), indicating this variant is rare. At this time, the clinical significance of this variant is uncertain due to the absence of conclusive functional and genetic evidence.

Literature cited by the submitters: PubMed 36413997 (cited by Ambry Genetics).